The following is an entry in ClinVar:

ClinVar aggregate classification (germline): Uncertain significance. Review status: criteria provided, multiple submitters, no conflicts (2 of 4 stars). 3 submissions from 3 submitters: Uncertain significance (3). Last evaluated 2025-05-01.

Conditions:
RYR1-related disorder. Also called: RYR1-related condition; RYR1-related disorders. Identifiers: MedGen CN239331.
Central core myopathy (CMYO1A). Also called: Central core disease; Myopathy, central fibrillar; CONGENITAL MYOPATHY 1A, AUTOSOMAL DOMINANT, WITH SUSCEPTIBILITY TO MALIGNANT HYPERTHERMIA. Identifiers: Orphanet 597, MedGen C5830701, MONDO:0007294, OMIM 117000.
Malignant hyperthermia, susceptibility to, 1 (MHS1). Also called: RYR1-Related Malignant Hyperthermia Susceptibility; Anesthesia related hyperthermia; Malignant hyperpyrexia; Fulminating hyperpyrexia; Pharmacogenic myopathy; Malignant hyperthermia suceptibility 1. Identifiers: Orphanet 423, MedGen C2930980, MONDO:0007783, OMIM 145600.
Congenital multicore myopathy with external ophthalmoplegia (CMYO1B). Also called: MULTICORE MYOPATHY; Congenital myopathy 1B, autosomal recessive; Minicore myopathy; MULTIMINICORE DISEASE WITH EXTERNAL OPHTHALMOPLEGIA; Minicore myopathy with external ophthalmoplegia. Identifiers: Orphanet 598, Orphanet 98905, MedGen C1850674, MONDO:0009712, OMIM 255320, HP:0003789.
Congenital myopathy with fiber type disproportion. Also called: Congenital fiber-type disproportion; Congenital fiber-type disproportion myopathy. Identifiers: Orphanet 2020, MedGen C0546264, MONDO:0009711. Inheritance: all.
King Denborough syndrome (KDS). Identifiers: MedGen C1840365, MONDO:0020485, OMIM 619542.

Allele frequency attached by ClinVar (database versions not stated): gnomAD 0.00001; TOPMed 0.00003.
gnomAD v4.1: 21 of 1,570,112 alleles (0.0013%); highest among the groups gnomAD compares: Non-Finnish European, 0.0016%; no homozygotes.

Submissions (3):

Labcorp Genetics (formerly Invitae), Labcorp
Classification: Uncertain significance for RYR1-related disorder. Last evaluated: 2025-05-01. Review status: criteria provided, single submitter. Criteria: Invitae Variant Classification Sherloc (09022015). Collection method: clinical testing. Allele origin: germline.
Comment: This sequence change replaces glycine, which is neutral and non-polar, with serine, which is neutral and polar, at codon 1049 of the RYR1 protein (p.Gly1049Ser). The frequency data for this variant in the population databases is considered unreliable, as metrics indicate poor data quality at this position in the gnomAD database. This missense change has been observed in individual(s) with myopathy (PMID: 22473935, 25960145). ClinVar contains an entry for this variant (Variation ID: 544388). Invitae Evidence Modeling of protein sequence and biophysical properties (such as structural, functional, and spatial information, amino acid conservation, physicochemical variation, residue mobility, and thermodynamic stability) indicates that this missense variant is expected to disrupt RYR1 protein function with a positive predictive value of 95%. In summary, the available evidence is currently insufficient to determine the role of this variant in disease. Therefore, it has been classified as a Variant of Uncertain Significance.

All of Us Research Program, National Institutes of Health
Classification: Uncertain significance for Malignant hyperthermia, susceptibility to, 1. Last evaluated: 2024-09-11. Review status: criteria provided, single submitter. Criteria: ACMG Guidelines, 2015. Collection method: clinical testing. Allele origin: germline. Inheritance: Autosomal dominant inheritance. Observed: 2 variant alleles, 2 heterozygotes.
Comment: This study involves interpretation of variants in research participants for the purpose of population health screening. Participant phenotype was not available at the time of variant classification. Additional details can be found in publication PMID: 35346344, PMCID: PMC8962531

Fulgent Genetics
Classification: Uncertain significance for Central core myopathy; Malignant hyperthermia, susceptibility to, 1; Congenital myopathy 4A, autosomal dominant; Congenital multicore myopathy with external ophthalmoplegia; King Denborough syndrome. Last evaluated: 2021-10-19. Review status: criteria provided, single submitter. Criteria: ACMG Guidelines, 2015. Collection method: clinical testing. Allele origin: unknown.

Literature cited by the submitters: PubMed 22473935 (cited by Labcorp Genetics (formerly Invitae), Labcorp); PubMed 25960145 (cited by Labcorp Genetics (formerly Invitae), Labcorp).

NM_000540.3(RYR1):c.3145G>A (p.Gly1049Ser)

Gene: RYR1 (ryanodine receptor 1; plus strand). Cytogenetic location: 19q13.2.
Variant type: single nucleotide variant.
Coding change: c.3145G>A on transcript NM_000540.3 (MANE Select); coding-DNA position 3145, G replaced by A.
Protein change: p.Gly1049Ser; replaces glycine 1049 with serine.
Molecular consequence: missense variant.
Genome position (GRCh38, 1-based): chr19:38,466,365, G>A. VCF-style: chr19-38466365-G-A. GRCh37 (hg19) VCF-style: chr19-38957005-G-A.
Other names: c.3145G>A, p.Gly1049Ser (NM_001042723.2); short protein forms G1049S.
Identifiers: ClinVar variation 544388 (VCV000544388.15), dbSNP rs990842315, ClinGen allele CA308076120.
Genomic context (GRCh38, chr19:38,466,365, plus strand): 5'-GCCACCAAGCGCAGCAACCGGGACAGCCTCTGCCAGGCCGTGCGCACCCTCCTGGGCTAC[G>A]GCTACAACATCGAGCCTCCTGACCAGGAGCCCAGTGAGTGCTCACCCCTGGCCCTGGCCC-3'
Protein context (NP_000531.2, residues 1039-1059): CQAVRTLLGY[Gly1049Ser]YNIEPPDQEP